The following is an entry in ClinVar:

ClinVar aggregate classification (germline): Uncertain significance (1 of 4 stars; one submission).

Allele frequency attached by ClinVar (database versions not stated): ExAC 0.00004; gnomAD 0.00004; 1000 Genomes Project 30x 0.00016; TOPMed 0.00005; 1000 Genomes Project 0.00020; ESP Exome Variant Server 0.00008.

Submission:

Labcorp Genetics (formerly Invitae), Labcorp
Classification: Uncertain significance. Last evaluated: 2025-04-29. Review status: criteria provided, single submitter. Criteria: Invitae Variant Classification Sherloc (09022015). Collection method: clinical testing. Allele origin: germline.
Comment: This sequence change replaces arginine, which is basic and polar, with glutamine, which is neutral and polar, at codon 154 of the BMP2 protein (p.Arg154Gln). This variant is present in population databases (rs111675841, gnomAD 0.009%). This variant has not been reported in the literature in individuals affected with BMP2-related conditions. ClinVar contains an entry for this variant (Variation ID: 2894511). An algorithm developed to predict the effect of missense changes on protein structure and function (PolyPhen-2) suggests that this variant is likely to be tolerated. In summary, the available evidence is currently insufficient to determine the role of this variant in disease. Therefore, it has been classified as a Variant of Uncertain Significance.

NM_001200.4(BMP2):c.461G>A (p.Arg154Gln)

Gene: BMP2 (bone morphogenetic protein 2; plus strand). Cytogenetic location: 20p12.3.
Variant type: single nucleotide variant.
Coding change: c.461G>A on transcript NM_001200.4 (MANE Select); coding-DNA position 461, G replaced by A.
Protein change: p.Arg154Gln; replaces arginine 154 with glutamine.
Molecular consequence: missense variant.
Genome position (GRCh38, 1-based): chr20:6,778,359, G>A. VCF-style: chr20-6778359-G-A. GRCh37 (hg19) VCF-style: chr20-6759006-G-A.
Other names: short protein forms R154Q.
Identifiers: ClinVar variation 2894511 (VCV002894511.3), dbSNP rs111675841, ClinGen allele CA9758687.